The following is an entry in ClinVar:

NM_001330360.2(POLA1):c.2083A>G (p.Met695Val)

Gene: POLA1 (DNA polymerase alpha 1, catalytic subunit; plus strand). Cytogenetic location: Xp22.11.
Variant type: single nucleotide variant.
Coding change: c.2083A>G on transcript NM_001330360.2 (MANE Select); coding-DNA position 2083, A replaced by G.
Protein change: p.Met695Val; replaces methionine 695 with valine.
Molecular consequence: missense variant.
Genome position (GRCh38, 1-based): chrX:24,739,417, A>G. VCF-style: chrX-24739417-A-G. GRCh37 (hg19) VCF-style: chrX-24757534-A-G.
Other names: p.Met689Val; c.2008A>G, p.Met670Val (NM_001378303.1); c.2065A>G, p.Met689Val (NM_016937.4); c.2065A>G (NM_016937.3); short protein forms M670V, M695V, M689V.
Identifiers: ClinVar variation 2179058 (VCV002179058.30), dbSNP rs766562139, ClinGen allele CA10373108.

ClinVar aggregate classification (germline): Benign/Likely benign. Review status: criteria provided, multiple submitters, no conflicts (2 of 4 stars). 4 submissions from 4 submitters: Benign (1); Likely benign (3). Last evaluated 2026-01-13.

Conditions:
Inborn genetic diseases. Identifiers: MedGen C0950123, MeSH D030342.

Allele frequency attached by ClinVar (database versions not stated): gnomAD 0.00003; TOPMed 0.00005; ExAC 0.00006; gnomAD exomes 0.00008; 1000 Genomes Project 30x 0.00021; 1000 Genomes Project 0.00026.
gnomAD v4.1: 96 of 1,195,132 alleles (0.008%); highest among the groups gnomAD compares: Middle Eastern, 0.12%; no homozygotes.

Submissions (4):

Labcorp Genetics (formerly Invitae), Labcorp
Classification: Benign. Last evaluated: 2026-01-13. Review status: criteria provided, single submitter. Criteria: Invitae Variant Classification Sherloc (09022015). Collection method: clinical testing. Allele origin: germline.

Mayo Clinic Laboratories, Mayo Clinic
Classification: Likely benign. Last evaluated: 2025-10-27. Review status: criteria provided, single submitter. Criteria: ACMG Guidelines, 2015. Collection method: clinical testing. Allele origin: germline. Observed: 1 variant allele.
Comment: BS2, BP4_moderate

Ambry Genetics
Classification: Likely benign for Inborn genetic diseases. Last evaluated: 2022-12-21. Review status: criteria provided, single submitter. Criteria: Ambry Variant Classification Scheme 2023. Collection method: clinical testing. Allele origin: germline.

CeGaT Center for Human Genetics Tuebingen
Classification: Likely benign. Last evaluated: 2022-11-01. Review status: criteria provided, single submitter. Criteria: CeGaT Center For Human Genetics Tuebingen Variant Classification Criteria Version 2. Collection method: clinical testing. Allele origin: germline. Affected: yes. Observed: 1 variant allele.
Comment: POLA1: BS2